The following is an entry in ClinVar:

NM_000062.3(SERPING1):c.1078C>T (p.Pro360Ser)

Gene: SERPING1 (serpin family G member 1; plus strand). Cytogenetic location: 11q12.1.
Variant type: single nucleotide variant.
Coding change: c.1078C>T on transcript NM_000062.3 (MANE Select); coding-DNA position 1078, C replaced by T.
Protein change: p.Pro360Ser; replaces proline 360 with serine.
Molecular consequence: missense variant.
Genome position (GRCh38, 1-based): chr11:57,611,765, C>T. VCF-style: chr11-57611765-C-T. GRCh37 (hg19) VCF-style: chr11-57379238-C-T.
Other names: c.1078C>T, p.Pro360Ser (NM_001032295.2); short protein forms P360S.
Identifiers: ClinVar variation 2415828 (VCV002415828.6), dbSNP rs989642546, ClinGen allele CA223057240.

ClinVar aggregate classification (germline): Uncertain significance (1 of 4 stars; one submission).

Allele frequency attached by ClinVar (database versions not stated): gnomAD exomes 0.00001; gnomAD 0.00002; TOPMed 0.00003.

Submission:

Labcorp Genetics (formerly Invitae), Labcorp
Classification: Uncertain significance. Last evaluated: 2024-03-04. Review status: criteria provided, single submitter. Criteria: Invitae Variant Classification Sherloc (09022015). Collection method: clinical testing. Allele origin: germline.
Comment: This sequence change replaces proline, which is neutral and non-polar, with serine, which is neutral and polar, at codon 360 of the SERPING1 protein (p.Pro360Ser). This variant is present in population databases (no rsID available, gnomAD 0.01%). This variant has not been reported in the literature in individuals affected with SERPING1-related conditions. ClinVar contains an entry for this variant (Variation ID: 2415828). Advanced modeling of protein sequence and biophysical properties (such as structural, functional, and spatial information, amino acid conservation, physicochemical variation, residue mobility, and thermodynamic stability) has been performed at Invitae for this missense variant, however the output from this modeling did not meet the statistical confidence thresholds required to predict the impact of this variant on SERPING1 protein function. This variant disrupts the p.Pro360 amino acid residue in SERPING1. Other variant(s) that disrupt this residue have been observed in individuals with SERPING1-related conditions (PMID: 30278448, 31517426), which suggests that this may be a clinically significant amino acid residue. In summary, the available evidence is currently insufficient to determine the role of this variant in disease. Therefore, it has been classified as a Variant of Uncertain Significance.

Literature cited by the submitters: PubMed 30278448; PubMed 31517426.